The following is an entry in ClinVar:

ClinVar aggregate classification (germline): Benign (1 of 4 stars; one submission).

Allele frequency attached by ClinVar (database versions not stated): 1000 Genomes Project 0.44269; 1000 Genomes Project 30x 0.44347; TOPMed 0.45709; gnomAD 0.46507.
gnomAD v4.1: 70,676 of 152,146 alleles (46%); highest among the groups gnomAD compares: Admixed American, 55%; 17,016 homozygotes.

Submission:

Unidad de Genómica Garrahan, Hospital de Pediatría Garrahan
Classification: Benign. Last evaluated: 2023-11-12. Review status: criteria provided, single submitter. Criteria: ACMG Guidelines, 2015. Collection method: clinical testing. Allele origin: germline. Affected: no. Observed: 21 variant alleles.
Comment: This variant is classified as Benign based on local population frequency. This variant was detected in 22% of patients studied by a panel of primary immunodeficiencies. Number of patients: 21. Only high quality variants are reported.

NM_007315.4(STAT1):c.2239-153A>C

Gene: STAT1 (signal transducer and activator of transcription 1; minus strand). Cytogenetic location: 2q32.2.
Variant type: single nucleotide variant.
Coding change: c.2239-153A>C on transcript NM_007315.4 (MANE Select); 153 bases into the intron before coding-DNA position 2239, A replaced by C.
Molecular consequence: intron variant.
Genome position (GRCh38, 1-based): chr2:190,970,870, T>G on the plus strand (A>C on the coding strand, the complement: STAT1 is on the minus strand). VCF-style: chr2-190970870-T-G. GRCh37 (hg19) VCF-style: chr2-191835596-T-G.
Other names: c.2149-153A>C (NM_001384890.1); c.2140-153A>C (NM_001384883.1); c.2080-153A>C (NM_001384885.1); c.2146-153A>C (NM_001384887.1); c.2179-153A>C (NM_001384880.1); c.2209-153A>C (NM_001384888.1); c.2233-153A>C (NM_001384882.1); c.2227-153A>C (NM_001384889.1); and 4 more.
Identifiers: ClinVar variation 2628289 (VCV002628289.2), dbSNP rs3771300, ClinGen allele CA11040874.